The following is an entry in ClinVar:

ClinVar aggregate classification (germline): Uncertain significance. Review status: criteria provided, multiple submitters, no conflicts (2 of 4 stars). 2 submissions from 2 submitters: Uncertain significance (2). Last evaluated 2025-05-30.

Conditions:
Familial melanoma. Also called: Hereditary melanoma; Hereditary cutaneous melanoma. Identifiers: Orphanet 618, MedGen C1512419, MONDO:0018961.
Hereditary cancer-predisposing syndrome. Also called: Tumor predisposition; Neoplastic Syndromes, Hereditary; Hereditary Cancer Syndrome; Hereditary neoplastic syndrome. Identifiers: Orphanet 140162, MedGen C0027672, MeSH D009386, MONDO:0015356.

Submissions (2):

Ambry Genetics
Classification: Uncertain significance for Hereditary cancer-predisposing syndrome. Last evaluated: 2025-05-30. Review status: criteria provided, single submitter. Criteria: Ambry Variant Classification Scheme 2023. Collection method: clinical testing. Allele origin: germline.
Comment: The p.P18R variant (also known as c.53C>G), located in coding exon 1 of the CDKN2A (p14ARF) gene, results from a C to G substitution at nucleotide position 53. The proline at codon 18 is replaced by arginine, an amino acid with dissimilar properties. This amino acid position is well conserved in available vertebrate species. In addition, this alteration is predicted to be tolerated by in silico analysis. Based on the available evidence, the clinical significance of this variant remains unclear.

Labcorp Genetics (formerly Invitae), Labcorp
Classification: Uncertain significance for Familial melanoma. Last evaluated: 2021-10-14. Review status: criteria provided, single submitter. Criteria: Invitae Variant Classification Sherloc (09022015). Collection method: clinical testing. Allele origin: germline.

NM_058195.4(CDKN2A):c.53C>G (p.Pro18Arg)

Gene: CDKN2A (cyclin dependent kinase inhibitor 2A; minus strand). Cytogenetic location: 9p21.3.
Variant type: single nucleotide variant.
Coding change: c.53C>G on transcript NM_058195.4 (MANE Plus Clinical); coding-DNA position 53, C replaced by G.
Protein change: p.Pro18Arg; replaces proline 18 with arginine.
Molecular consequence: missense variant. On other transcripts: intron variant (1).
Genome position (GRCh38, 1-based): chr9:21,994,279, G>C on the plus strand (C>G on the coding strand, the complement: CDKN2A is on the minus strand). VCF-style: chr9-21994279-G-C. GRCh37 (hg19) VCF-style: chr9-21994278-G-C.
Other names: c.-4+542C>G (NM_001363763.2); short protein forms P18R.
Identifiers: ClinVar variation 1424980 (VCV001424980.7), dbSNP rs1587358603, ClinGen allele CA373087035.